The following is an entry in ClinVar:

NM_001378964.1(CDON):c.*696T>C

Gene: CDON (cell adhesion associated, oncogene regulated; minus strand). Cytogenetic location: 11q24.2.
Variant type: single nucleotide variant.
Coding change: c.*696T>C on transcript NM_001378964.1 (MANE Select); 696 bases downstream of the stop codon, T replaced by C.
Molecular consequence: 3 prime UTR variant.
Genome position (GRCh38, 1-based): chr11:125,960,246, A>G on the plus strand (T>C on the coding strand, the complement: CDON is on the minus strand). VCF-style: chr11-125960246-A-G. GRCh37 (hg19) VCF-style: chr11-125830141-A-G.
Other names: c.*696T>C (NM_001243597.3, NM_016952.6).
Identifiers: ClinVar variation 303480 (VCV000303480.5), dbSNP rs566390376, ClinGen allele CA10638401.

ClinVar aggregate classification (germline): Benign (1 of 4 stars; one submission).

Conditions:
Holoprosencephaly 11 (HPE11). Identifiers: Orphanet 2162, MedGen C3280215, MONDO:0013642, OMIM 614226.

Allele frequency attached by ClinVar (database versions not stated): gnomAD exomes 0.00192; TOPMed 0.00264; gnomAD 0.00243; 1000 Genomes Project 0.00120; 1000 Genomes Project 30x 0.00125.
gnomAD v4.1: 360 of 152,884 alleles (0.24%); highest among the groups gnomAD compares: Non-Finnish European, 0.43%; no homozygotes.

Submission:

Illumina Laboratory Services, Illumina
Classification: Benign for Holoprosencephaly 11. Last evaluated: 2018-01-13. Review status: criteria provided, single submitter. Criteria: ICSL Variant Classification Criteria 13 December 2019. Collection method: clinical testing. Allele origin: germline.
Comment: This variant was observed in the ICSL laboratory as part of a predisposition screen in an ostensibly healthy population. It had not been previously curated by ICSL or reported in the Human Gene Mutation Database (HGMD: prior to June 1st, 2018), and was therefore a candidate for classification through an automated scoring system. Utilizing variant allele frequency, disease prevalence and penetrance estimates, and inheritance mode, an automated score was calculated to assess if this variant is too frequent to cause the disease. Based on the score and internal cut-off values, a variant classified as benign is not then subjected to further curation. The score for this variant resulted in a classification of benign for this disease.